The following is an entry in ClinVar:

NM_001365276.2(TNXB):c.7651T>G (p.Ser2551Ala)

Gene: TNXB (tenascin XB; minus strand). Cytogenetic location: 6p21.33.
Variant type: single nucleotide variant.
Coding change: c.7651T>G on transcript NM_001365276.2 (MANE Select); coding-DNA position 7651, T replaced by G.
Protein change: p.Ser2551Ala; replaces serine 2551 with alanine.
Molecular consequence: missense variant.
Genome position (GRCh38, 1-based): chr6:32,058,232, A>C on the plus strand (T>G on the coding strand, the complement: TNXB is on the minus strand). VCF-style: chr6-32058232-A-C. GRCh37 (hg19) VCF-style: chr6-32026009-A-C.
Other names: c.7651T>G, p.Ser2551Ala (NM_019105.8); short protein forms S2551A.
Identifiers: ClinVar variation 1759988 (VCV001759988.2), dbSNP rs2483486554, ClinGen allele CA363551410.

ClinVar aggregate classification (germline): Uncertain significance (1 of 4 stars; one submission).

Conditions:
Cardiovascular phenotype. Identifiers: MedGen CN230736.

Submission:

Ambry Genetics
Classification: Uncertain significance for Cardiovascular phenotype. Last evaluated: 2022-10-02. Review status: criteria provided, single submitter. Criteria: Ambry Variant Classification Scheme 2023. Collection method: clinical testing. Allele origin: germline.
Comment: The p.S2551A variant (also known as c.7651T>G), located in coding exon 21 of the TNXB gene, results from a T to G substitution at nucleotide position 7651. The serine at codon 2551 is replaced by alanine, an amino acid with similar properties. This amino acid position is conserved. In addition, this alteration is predicted to be tolerated by in silico analysis. Since supporting evidence is limited at this time, the clinical significance of this alteration remains unclear.